The following is an entry in ClinVar:

ClinVar aggregate classification (germline): Benign/Likely benign. Review status: criteria provided, multiple submitters, no conflicts (2 of 4 stars). 9 submissions from 7 submitters: Benign (6); Likely benign (2). 1 of the submissions does not count toward it. Last evaluated 2026-02-02.

Conditions:
Microphthalmia. Also called: Microphthalmos. Identifiers: MedGen C0026010, MONDO:0021129, HP:0000568.
Isolated microphthalmia 2. Identifiers: Orphanet 2542, MedGen C1864720, MONDO:0012409, OMIM 610093.
Microphthalmia, isolated, with coloboma 3 (MCOPCB3). Also called: MICROPHTHALMIA/COLOBOMA 3; MICROPHTHALMIA, COLOBOMATOUS, 3. Identifiers: Orphanet 98938, MedGen C1864721, MONDO:0012408, OMIM 610092.

Allele frequency attached by ClinVar (database versions not stated): 1000 Genomes Project 30x 0.01936; 1000 Genomes Project 0.01957; TOPMed 0.02762; gnomAD 0.02856 and 0.02860; gnomAD exomes 0.03262 and 0.03846; ESP Exome Variant Server 0.03313; ExAC 0.05520.
gnomAD v4.1: 60,024 of 1,601,228 alleles (3.7%); highest among the groups gnomAD compares: Non-Finnish European, 4.2%; 1,317 homozygotes.

Submissions (9):

Labcorp Genetics (formerly Invitae), Labcorp
Classification: Benign for Isolated microphthalmia 2. Last evaluated: 2026-02-02. Review status: criteria provided, single submitter. Criteria: Invitae Variant Classification Sherloc (09022015). Collection method: clinical testing. Allele origin: germline.

Genome-Nilou Lab
Classification: Benign for Microphthalmia, isolated, with coloboma 3. Last evaluated: 2021-07-10. Review status: criteria provided, single submitter. Criteria: ACMG Guidelines, 2015. Collection method: clinical testing. Allele origin: germline. Affected: no.

Genome-Nilou Lab
Classification: Benign for Isolated microphthalmia 2. Last evaluated: 2021-07-10. Review status: criteria provided, single submitter. Criteria: ACMG Guidelines, 2015. Collection method: clinical testing. Allele origin: germline. Affected: no.

Illumina Laboratory Services, Illumina
Classification: Likely benign for Microphthalmia, isolated, with coloboma 3. Last evaluated: 2018-01-13. Review status: criteria provided, single submitter. Criteria: ICSL Variant Classification Criteria 13 December 2019. Collection method: clinical testing. Allele origin: germline.
Comment: This variant was observed in the ICSL laboratory as part of a predisposition screen in an ostensibly healthy population. It had not been previously curated by ICSL or reported in the Human Gene Mutation Database (HGMD: prior to June 1st, 2018), and was therefore a candidate for classification through an automated scoring system. Utilizing variant allele frequency, disease prevalence and penetrance estimates, and inheritance mode, an automated score was calculated to assess if this variant is too frequent to cause the disease. Based on the score and internal cut-off values, a variant classified as likely benign is not then subjected to further curation. The score for this variant resulted in a classification of likely benign for this disease.

Illumina Laboratory Services, Illumina
Classification: Benign for Isolated microphthalmia 2. Last evaluated: 2018-01-13. Review status: criteria provided, single submitter. Criteria: ICSL Variant Classification Criteria 13 December 2019. Collection method: clinical testing. Allele origin: germline.
Comment: This variant was observed in the ICSL laboratory as part of a predisposition screen in an ostensibly healthy population. It had not been previously curated by ICSL or reported in the Human Gene Mutation Database (HGMD: prior to June 1st, 2018), and was therefore a candidate for classification through an automated scoring system. Utilizing variant allele frequency, disease prevalence and penetrance estimates, and inheritance mode, an automated score was calculated to assess if this variant is too frequent to cause the disease. Based on the score and internal cut-off values, a variant classified as benign is not then subjected to further curation. The score for this variant resulted in a classification of benign for this disease.

GeneDx
Classification: Benign. Last evaluated: 2015-03-03. Review status: criteria provided, single submitter. Criteria: GeneDx Variant Classification Process June 2021. Collection method: clinical testing. Allele origin: germline. Affected: yes.

Eurofins Ntd Llc (ga)
Classification: Benign. Last evaluated: 2014-10-22. Review status: criteria provided, single submitter. Criteria: EGL Classification Definitions 2015. Collection method: clinical testing. Allele origin: germline. Observed: 2 variant alleles, 2 heterozygotes.

Breakthrough Genomics
Classification: Likely benign. Review status: criteria provided, single submitter. Criteria: ACMG Guidelines, 2015. Collection method: not provided. Allele origin: germline. Inheritance: Autosomal recessive inheritance. Affected: yes.

Natera, Inc.
Classification: Benign for Microphthalmia. Last evaluated: 2019-11-22. Review status: no assertion criteria provided. Collection method: clinical testing. Allele origin: germline. Not counted in ClinVar's aggregate classification.

NM_182894.3(VSX2):c.831G>A (p.Leu277=)

Gene: VSX2 (visual system homeobox 2; plus strand). Cytogenetic location: 14q24.3.
Variant type: single nucleotide variant.
Coding change: c.831G>A on transcript NM_182894.3 (MANE Select); coding-DNA position 831, G replaced by A.
Protein change: p.Leu277=; no amino-acid change (leucine 277 retained).
Molecular consequence: synonymous variant.
Genome position (GRCh38, 1-based): chr14:74,260,664, G>A. VCF-style: chr14-74260664-G-A. GRCh37 (hg19) VCF-style: chr14-74727367-G-A.
Identifiers: ClinVar variation 197896 (VCV000197896.23), dbSNP rs62006815, ClinGen allele CA203150.